The following is an entry in ClinVar:

NM_002691.4(POLD1):c.1384-18G>A

Gene: POLD1 (DNA polymerase delta 1, catalytic subunit; plus strand). Cytogenetic location: 19q13.33.
Variant type: single nucleotide variant.
Coding change: c.1384-18G>A on transcript NM_002691.4 (MANE Select); 18 bases into the intron before coding-DNA position 1384, G replaced by A.
Molecular consequence: intron variant.
Genome position (GRCh38, 1-based): chr19:50,406,389, G>A. VCF-style: chr19-50406389-G-A. GRCh37 (hg19) VCF-style: chr19-50909646-G-A.
Other names: c.1384-18G>A (NM_001256849.1, NM_001308632.1).
Identifiers: ClinVar variation 1534364 (VCV001534364.9), dbSNP rs2122324839, ClinGen allele CA2573156680.

ClinVar aggregate classification (germline): Likely benign. Review status: criteria provided, multiple submitters, no conflicts (2 of 4 stars). 2 submissions from 2 submitters: Likely benign (2). Last evaluated 2025-04-28.

Conditions:
POLD1-related polyposis and colorectal cancer syndrome (CRCS10). Also called: Colorectal cancer 10; COLORECTAL CANCER, SUSCEPTIBILITY TO, ON CHROMOSOME 19q; Colorectal cancer, susceptibility to, 10. Identifiers: Orphanet 220460, MedGen C2675481, MONDO:0012953, OMIM 612591.

Submissions (2):

Labcorp Genetics (formerly Invitae), Labcorp
Classification: Likely benign for POLD1-related polyposis and colorectal cancer syndrome. Last evaluated: 2025-04-28. Review status: criteria provided, single submitter. Criteria: Invitae Variant Classification Sherloc (09022015). Collection method: clinical testing. Allele origin: germline.

Myriad Genetics, Inc.
Classification: Likely benign for POLD1-related polyposis and colorectal cancer syndrome. Last evaluated: 2025-02-06. Review status: criteria provided, single submitter. Criteria: Myriad Autosomal Dominant, Autosomal Recessive and X-Linked Classification Criteria (2023). Collection method: clinical testing. Allele origin: unknown.
Comment: This variant is considered likely benign. This variant is intronic and is not expected to impact mRNA splicing.